The following is an entry in ClinVar:

ClinVar aggregate classification (germline): Pathogenic. Review status: criteria provided, single submitter (1 of 4 stars). 2 submissions from 2 submitters: Pathogenic (1). 1 of the submissions does not count toward it. Last evaluated 2022-11-08.

Conditions:
Idiopathic generalized epilepsy. Also called: Generalised epilepsy; EIG. Identifiers: MedGen C0270850, MONDO:0005579, OMIM 600669.
Epilepsy, childhood absence 4 (ECA4). Also called: EPILEPSY, CHILDHOOD ABSENCE, SUSCEPTIBILITY TO, 4. Identifiers: Orphanet 307, MedGen C1970160.
Epilepsy, idiopathic generalized, susceptibility to, 13. Also called: EPILEPSY, JUVENILE MYOCLONIC, SUSCEPTIBILITY TO, 5. Identifiers: Orphanet 307, Orphanet 64280, MedGen C4013473, MONDO:0012627, OMIM 611136.
Developmental and epileptic encephalopathy, 19 (DEE19). Also called: Epileptic encephalopathy, early infantile, 19. Identifiers: Orphanet 33069, MedGen C3810400, MONDO:0014328, OMIM 615744.

Submissions (2):

Labcorp Genetics (formerly Invitae), Labcorp
Classification: Pathogenic for Epilepsy, childhood absence 4; Epilepsy, idiopathic generalized, susceptibility to, 13; Idiopathic generalized epilepsy. Last evaluated: 2022-11-08. Review status: criteria provided, single submitter. Criteria: Invitae Variant Classification Sherloc (09022015). Collection method: clinical testing. Allele origin: germline.
Comment: Advanced modeling of protein sequence and biophysical properties (such as structural, functional, and spatial information, amino acid conservation, physicochemical variation, residue mobility, and thermodynamic stability) performed at Invitae indicates that this missense variant is expected to disrupt GABRA1 protein function. This sequence change replaces glycine, which is neutral and non-polar, with serine, which is neutral and polar, at codon 251 of the GABRA1 protein (p.Gly251Ser). This variant is not present in population databases (gnomAD no frequency). This missense change has been observed in individual(s) with Dravet syndrome (PMID: 24623842). In at least one individual the variant was observed to be de novo. ClinVar contains an entry for this variant (Variation ID: 127073). Experimental studies have shown that this missense change affects GABRA1 function (PMID: 24623842). Algorithms developed to predict the effect of sequence changes on RNA splicing suggest that this variant may disrupt the consensus splice site. For these reasons, this variant has been classified as Pathogenic.

OMIM
Classification: Pathogenic for DEVELOPMENTAL AND EPILEPTIC ENCEPHALOPATHY 19. Last evaluated: 2014-04-08. Review status: no assertion criteria provided. Collection method: literature only. Allele origin: germline. Not counted in ClinVar's aggregate classification.

Literature cited by the submitters: PubMed 24623842 (cited by Labcorp Genetics (formerly Invitae), Labcorp and OMIM).

NM_001127644.2(GABRA1):c.751G>A (p.Gly251Ser)

Gene: GABRA1 (gamma-aminobutyric acid type A receptor subunit alpha1; plus strand). Cytogenetic location: 5q34.
Variant type: single nucleotide variant.
Coding change: c.751G>A on transcript NM_001127644.2 (MANE Select); coding-DNA position 751, G replaced by A.
Protein change: p.Gly251Ser; replaces glycine 251 with serine.
Molecular consequence: missense variant.
Genome position (GRCh38, 1-based): chr5:161,890,945, G>A. VCF-style: chr5-161890945-G-A. GRCh37 (hg19) VCF-style: chr5-161317951-G-A.
Other names: c.751G>A, p.Gly251Ser (NM_000806.5, NM_001127643.2, NM_001127645.2 and 1 more transcripts); short protein forms G251S.
Identifiers: ClinVar variation 127073 (VCV000127073.7), dbSNP rs587777307, ClinGen allele CA151359.
Genomic context (GRCh38, chr5:161,890,945, plus strand): 5'-TTTTACTTCTCAGGAGAATATGTTGTTATGACCACTCATTTCCACTTGAAGAGAAAGATT[G>A]GCTACTTTGTTATTCAAACATACCTGCCATGCATAATGACAGTGATTCTCTCACAAGTCT-3'
Protein context (NP_001121116.1, residues 241-261): TTHFHLKRKI[Gly251Ser]YFVIQTYLPC